The following is an entry in ClinVar:

NM_005257.6(GATA6):c.1196C>T (p.Pro399Leu)

Gene: GATA6 (GATA binding protein 6; plus strand). Cytogenetic location: 18q11.2.
Variant type: single nucleotide variant.
Coding change: c.1196C>T on transcript NM_005257.6 (MANE Select); coding-DNA position 1196, C replaced by T.
Protein change: p.Pro399Leu; replaces proline 399 with leucine.
Molecular consequence: missense variant.
Genome position (GRCh38, 1-based): chr18:22,177,015, C>T. VCF-style: chr18-22177015-C-T. GRCh37 (hg19) VCF-style: chr18-19756976-C-T.
Other names: short protein forms P399L.
Identifiers: ClinVar variation 3682351 (VCV003682351.3).
Genomic context (GRCh38, chr18:22,177,015, plus strand): 5'-ACCTGCTGGAGGACCTGTCCGAGAGCCGCGAGTGCGTGAACTGCGGCTCCATCCAGACGC[C>T]GCTGTGGCGGCGGGACGGCACCGGCCACTACCTGTGCAACGCCTGCGGGCTCTACAGCAA-3'
Protein context (NP_005248.2, residues 389-409): ECVNCGSIQT[Pro399Leu]LWRRDGTGHY

ClinVar aggregate classification (germline): Uncertain significance. Review status: criteria provided, multiple submitters, no conflicts (2 of 4 stars). 2 submissions from 2 submitters: Uncertain significance (2). Last evaluated 2024-08-13.

Conditions:
Atrioventricular septal defect 5 (AVSD5). Identifiers: MedGen C3280939, MONDO:0013769, OMIM 614474.

gnomAD v4.1: 9 of 1,578,138 alleles (0.00057%); highest among the groups gnomAD compares: Non-Finnish European, 0.00077%; no homozygotes.

Submissions (2):

Labcorp Genetics (formerly Invitae), Labcorp
Classification: Uncertain significance for Atrioventricular septal defect 5. Last evaluated: 2024-08-13. Review status: criteria provided, single submitter. Criteria: Invitae Variant Classification Sherloc (09022015). Collection method: clinical testing. Allele origin: germline.
Comment: This sequence change replaces proline, which is neutral and non-polar, with leucine, which is neutral and non-polar, at codon 399 of the GATA6 protein (p.Pro399Leu). This variant is not present in population databases (gnomAD no frequency). This variant has not been reported in the literature in individuals affected with GATA6-related conditions. Invitae Evidence Modeling of protein sequence and biophysical properties (such as structural, functional, and spatial information, amino acid conservation, physicochemical variation, residue mobility, and thermodynamic stability) indicates that this missense variant is expected to disrupt GATA6 protein function with a positive predictive value of 80%. In summary, the available evidence is currently insufficient to determine the role of this variant in disease. Therefore, it has been classified as a Variant of Uncertain Significance.

Blueprint Genetics
Classification: Uncertain significance. Last evaluated: 2021-01-28. Review status: criteria provided, single submitter. Criteria: ACMG Guidelines, 2015. Collection method: clinical testing. Allele origin: germline.